The following is an entry in ClinVar:

NM_015450.3(POT1):c.1253T>C (p.Leu418Ser)

Gene: POT1 (protection of telomeres 1; minus strand). Cytogenetic location: 7q31.33.
Variant type: single nucleotide variant.
Coding change: c.1253T>C on transcript NM_015450.3 (MANE Select); coding-DNA position 1253, T replaced by C.
Protein change: p.Leu418Ser; replaces leucine 418 with serine.
Molecular consequence: missense variant. On other transcripts: non-coding transcript variant (3).
Genome position (GRCh38, 1-based): chr7:124,841,089, A>G on the plus strand (T>C on the coding strand, the complement: POT1 is on the minus strand). VCF-style: chr7-124841089-A-G. GRCh37 (hg19) VCF-style: chr7-124481143-A-G.
Other names: c.860T>C, p.Leu287Ser (NM_001042594.2); short protein forms L418S, L287S.
Identifiers: ClinVar variation 3423116 (VCV003423116.1).

ClinVar aggregate classification (germline): Uncertain significance (1 of 4 stars; one submission).

Conditions:
Hereditary cancer-predisposing syndrome. Also called: Neoplastic Syndromes, Hereditary; Tumor predisposition; Hereditary Cancer Syndrome; Hereditary neoplastic syndrome. Identifiers: Orphanet 140162, MedGen C0027672, MeSH D009386, MONDO:0015356.

Submission:

Ambry Genetics
Classification: Uncertain significance for Hereditary cancer-predisposing syndrome. Last evaluated: 2024-08-19. Review status: criteria provided, single submitter. Criteria: Ambry Variant Classification Scheme 2023. Collection method: clinical testing. Allele origin: germline.
Comment: The p.L418S variant (also known as c.1253T>C), located in coding exon 10 of the POT1 gene, results from a T to C substitution at nucleotide position 1253. The leucine at codon 418 is replaced by serine, an amino acid with dissimilar properties. This amino acid position is conserved. In addition, the in silico prediction for this alteration is inconclusive. Based on the available evidence, the clinical significance of this variant remains unclear.